The following is an entry in ClinVar:

ClinVar aggregate classification (germline): Uncertain significance (1 of 4 stars; one submission).

gnomAD v4.1: 26 of 1,610,834 alleles (0.0016%); highest among the groups gnomAD compares: South Asian, 0.012%; no homozygotes.

Submission:

CeGaT Center for Human Genetics Tuebingen
Classification: Uncertain significance. Last evaluated: 2025-02-01. Review status: criteria provided, single submitter. Criteria: CeGaT Center For Human Genetics Tuebingen Variant Classification Criteria Version 2. Collection method: clinical testing. Allele origin: germline. Affected: yes. Observed: 1 variant allele.
Comment: AFF3: PM2

NM_001386135.1(AFF3):c.2038G>A (p.Asp680Asn)

Gene: AFF3 (ALF transcription elongation factor 3; minus strand). Cytogenetic location: 2q11.2.
Variant type: single nucleotide variant.
Coding change: c.2038G>A on transcript NM_001386135.1 (MANE Select); coding-DNA position 2038, G replaced by A.
Protein change: p.Asp680Asn; replaces aspartic acid 680 with asparagine.
Molecular consequence: missense variant.
Genome position (GRCh38, 1-based): chr2:99,593,623, C>T on the plus strand (G>A on the coding strand, the complement: AFF3 is on the minus strand). VCF-style: chr2-99593623-C-T. GRCh37 (hg19) VCF-style: chr2-100210085-C-T.
Other names: c.2113G>A, p.Asp705Asn (NM_001025108.2); c.2038G>A, p.Asp680Asn (NM_002285.3); short protein forms D680N, D705N.
Identifiers: ClinVar variation 3771173 (VCV003771173.13).